The following is an entry in ClinVar:

ClinVar aggregate classification (germline): Pathogenic/Likely pathogenic. Review status: criteria provided, multiple submitters, no conflicts (2 of 4 stars). 8 submissions from 8 submitters: Pathogenic (2); Likely pathogenic (4). 2 of the submissions do not count toward it. Last evaluated 2026-09-11.

Conditions:
Myopathy, myofibrillar, 12, infantile-onset, with cardiomyopathy. Identifiers: MedGen C5561937, MONDO:0859168, OMIM 619424.
Hypertrophic cardiomyopathy 10. Also called: MYL2-Related Familial Hypertrophic Cardiomyopathy; CARDIOMYOPATHY, HYPERTROPHIC, MID-LEFT VENTRICULAR CHAMBER TYPE, 2. Identifiers: MedGen C1834460, MONDO:0012112, OMIM 608758.
Cardiovascular phenotype. Identifiers: MedGen CN230736.
Cardiomyopathy (CMYO). Also called: Cardiomyopathies. Identifiers: Orphanet 167848, MedGen C0878544, MONDO:0004994, HP:0001638. Inheritance: Various modes of inheritance.
Hypertrophic cardiomyopathy. Also called: HYPERTROPHIC MYOCARDIOPATHY. Identifiers: Orphanet 217569, MedGen C0007194, MeSH D002312, MONDO:0005045, HP:0001639.

Allele frequency attached by ClinVar (database versions not stated): gnomAD exomes below 0.00001.
gnomAD v4.1: 2 of 1,613,848 alleles (0.00012%); highest among the groups gnomAD compares: Non-Finnish European, 0.00017%; no homozygotes.

Submissions (8):

GeneDx
Classification: Pathogenic. Last evaluated: 2026-09-11. Review status: criteria provided, single submitter. Criteria: GeneDx Variant Classification Process June 2021. Collection method: clinical testing. Allele origin: germline.
Comment: Published functional studies suggest a damaging effect through decreased calcium sensitivity and altered phosphorylation (PMID: 11102452, 14594949, 12668451); Not observed at significant frequency in large population cohorts (gnomAD); In silico analysis supports that this missense variant has a deleterious effect on protein structure/function; This variant is associated with the following publications: (PMID: 14594949, 25324513, 11102452, 12668451, 9535554)

Labcorp Genetics (formerly Invitae), Labcorp
Classification: Pathogenic for Hypertrophic cardiomyopathy 10. Last evaluated: 2025-10-31. Review status: criteria provided, single submitter. Criteria: Invitae Variant Classification Sherloc (09022015). Collection method: clinical testing. Allele origin: germline.
Comment: This sequence change replaces phenylalanine, which is neutral and non-polar, with leucine, which is neutral and non-polar, at codon 18 of the MYL2 protein (p.Phe18Leu). This variant is not present in population databases (gnomAD no frequency). This missense change has been observed in individual(s) with autosomal dominant hypertrophic cardiomyopathy (PMID: 9535554). It has also been observed to segregate with disease in related individuals. ClinVar contains an entry for this variant (Variation ID: 14068). An algorithm developed to predict the effect of missense changes on protein structure and function (PolyPhen-2) suggests that this variant is likely to be disruptive. Experimental studies have shown that this missense change affects MYL2 function (PMID: 11102452, 12668451, 14594949, 25324513). This variant disrupts the Phe18 amino acid residue in MYL2. Other variant(s) that disrupt this residue have been observed in individuals with MYL2-related conditions (internal data), which suggests that this may be a clinically significant amino acid residue. For these reasons, this variant has been classified as Pathogenic.

Color Diagnostics, LLC DBA Color Health
Classification: Likely pathogenic for Cardiomyopathy. Last evaluated: 2025-06-09. Review status: criteria provided, single submitter. Criteria: ACMG Guidelines, 2015. Collection method: clinical testing. Allele origin: germline.
Comment: This missense variant replaces phenylalanine with leucine at codon 18 of the MYL2 protein. Computational prediction suggests that this variant may have a deleterious impact on protein structure and function. Functional studies using in vitro assays of purified human MYL2 protein as well as rat myosin regulatory light chain have shown that this variant affects calcium sensitivity and reduces binding affinity, leading to impairment in cardiac contraction (PMID: 11102452, 12668451, 14594949). This variant has been reported in individuals affected with hypertrophic cardiomyopathy (PMID: 9535554, 12707239, 33495597). It has been shown that this variant segregates with disease in multiple affected individuals in one family (PMID: 9535554). This variant has not been identified in the general population by the Genome Aggregation Database (gnomAD). Based on the available evidence, this variant is classified as Likely Pathogenic.

Ambry Genetics
Classification: Likely pathogenic for Cardiovascular phenotype. Last evaluated: 2025-01-24. Review status: criteria provided, single submitter. Criteria: Ambry Variant Classification Scheme 2023. Collection method: clinical testing. Allele origin: germline.
Comment: The p.F18L variant (also known as c.52T>C), located in coding exon 2 of the MYL2 gene, results from a T to C substitution at nucleotide position 52. The phenylalanine at codon 18 is replaced by leucine, an amino acid with highly similar properties. This variant was identified in one or more individuals with features consistent with hypertrophic cardiomyopathy (HCM) and segregated with disease in at least one family (Flavigny J et al. J Mol Med. 1998;76(3-4):208-14; Richard P et al. Circulation. 2003;107(17):2227-32; Ambry internal data). Functional in vitro analyses indicate this variant disturbs Ca2+ sensitivity, thus reducing binding affinity and resulting in decreased cardiac contractile force and function (Szczesna D et al. J Biol Chem. 2001;276(10):7086-92; Roopnarine O. Biophys J. 2003;84(4):2440-9; Szczesna-Cordary D et al. J Biol Chem. 2004;279(5):3535-42; Farman GP et al. J Appl Physiol. 2014;117(12):1471-7). This variant is considered to be rare based on population cohorts in the Genome Aggregation Database (gnomAD). This amino acid position is highly conserved in available vertebrate species. In addition, this alteration is predicted to be deleterious by in silico analysis. Based on the majority of available evidence to date, this variant is likely to be pathogenic.

All of Us Research Program, National Institutes of Health
Classification: Likely pathogenic for Hypertrophic cardiomyopathy. Last evaluated: 2024-09-25. Review status: criteria provided, single submitter. Criteria: ACMG Guidelines, 2015. Collection method: clinical testing. Allele origin: germline. Inheritance: Autosomal dominant inheritance. Observed: 2 variant alleles, 2 heterozygotes.
Comment: Functional studies suggest that this variant results in a deleterious effect on the protein (PMID: 11102452, 14594949, 25324513, 12668451). This variant has been reported in individuals with hypertrophic cardiomyopathy (PMID: 9535554, 12707239, 33495597). This variant is absent from or rare in large population databases, including the Genome Aggregation Database. This variant has been reported to co-segregate with disease in 8 affected individuals in one family (PMID: 9535554). This variant is predicted to be deleterious by in silico analysis.

This study involves interpretation of variants in research participants for the purpose of population health screening. Participant phenotype was not available at the time of variant classification. Additional details can be found in publication PMID: 35346344, PMCID: PMC8962531

Fulgent Genetics
Classification: Likely pathogenic for Hypertrophic cardiomyopathy 10; Myopathy, myofibrillar, 12, infantile-onset, with cardiomyopathy. Last evaluated: 2021-09-03. Review status: criteria provided, single submitter. Criteria: ACMG Guidelines, 2015. Collection method: clinical testing. Allele origin: unknown.

Leiden Muscular Dystrophy (MYL2)
No classification provided. Condition: Familial hypertrophic cardiomyopathy 10. Last evaluated: 2012-03-26. Review status: no classification provided. Collection method: curation. Allele origin: germline. Not counted in ClinVar's aggregate classification.

OMIM
Classification: Pathogenic for CARDIOMYOPATHY, FAMILIAL HYPERTROPHIC, 10. Last evaluated: 1998-03-01. Review status: no assertion criteria provided. Collection method: literature only. Allele origin: germline. Not counted in ClinVar's aggregate classification.

Literature cited by the submitters: PubMed 9535554 (cited by 4 submitters); PubMed 11102452 (cited by 3 submitters); PubMed 12668451 (cited by 3 submitters); PubMed 14594949 (cited by 3 submitters); PubMed 25324513 (cited by Labcorp Genetics (formerly Invitae), Labcorp and All of Us Research Program, National Institutes of Health); PubMed 12707239 (cited by Color Diagnostics, LLC DBA Color Health and All of Us Research Program, National Institutes of Health); PubMed 33495597 (cited by Color Diagnostics, LLC DBA Color Health and All of Us Research Program, National Institutes of Health).

NM_000432.4(MYL2):c.52T>C (p.Phe18Leu)

Genes: MYL2 (myosin light chain 2; minus strand), LOC114827850 (VISTA enhancer hs2149; plus strand). Cytogenetic location: 12q24.11.
Variant type: single nucleotide variant.
Coding change: c.52T>C on transcript NM_000432.4 (MANE Select); coding-DNA position 52, T replaced by C.
Protein change: p.Phe18Leu; replaces phenylalanine 18 with leucine.
Molecular consequence: missense variant.
Genome position (GRCh38, 1-based): chr12:110,919,145, A>G on the plus strand (T>C on the coding strand, the complement: MYL2 is on the minus strand). VCF-style: chr12-110919145-A-G. GRCh37 (hg19) VCF-style: chr12-111356949-A-G.
Other names: short protein forms F18L.
Identifiers: ClinVar variation 14068 (VCV000014068.21), dbSNP rs104894370, ClinGen allele CA010488.
Genomic context (GRCh38, chr12:110,919,145, plus strand): 5'-ATTCAATAGCTGCACCCACCTCCTTAAATTCCTGGATTTGGGTCTGTTCGAACATGGAGA[A>G]CACGTTGGAGTTGGCGCCCCCGGCTCTCTTCTTTGCTTTCTTAGGTGCCTGGGGGAAAAA-3'
Protein context (NP_000423.2, residues 8-28): KRAGGANSNV[Phe18Leu]SMFEQTQIQE